The following is an entry in ClinVar:

NM_001267550.2(TTN):c.6820C>G (p.Gln2274Glu)

Genes: TTN (titin; minus strand), LOC126806433 (BRD4-independent group 4 enhancer GRCh37_chr2:179638309-179639508; plus strand). Cytogenetic location: 2q31.2.
Variant type: single nucleotide variant.
Coding change: c.6820C>G on transcript NM_001267550.2 (MANE Select); coding-DNA position 6820, C replaced by G.
Protein change: p.Gln2274Glu; replaces glutamine 2274 with glutamic acid.
Molecular consequence: missense variant.
Genome position (GRCh38, 1-based): chr2:178,774,444, G>C on the plus strand (C>G on the coding strand, the complement: TTN is on the minus strand). VCF-style: chr2-178774444-G-C. GRCh37 (hg19) VCF-style: chr2-179639171-G-C.
Other names: p.Gln2274Glu; c.6820C>G, p.Gln2274Glu (NM_133378.4, NM_133379.5, NM_001256850.1); c.6682C>G, p.Gln2228Glu (NM_133432.3, NM_133437.4, NM_003319.4); c.6820C>G (NM_001267550.1); short protein forms Q2228E, Q2274E.
Identifiers: ClinVar variation 264475 (VCV000264475.19), dbSNP rs145649088, ClinGen allele CA2004958.
Genomic context (GRCh38, chr2:178,774,444, plus strand): 5'-TTTCTGGGGATACAATGCACTCTAATTCTCCTGAATATGATTCTGGAACTTCTATGTCCT[G>C]AAGTTCTTTCACAAACTCAACAACTGCACCTGAAGTGTATAACAGAAAGATAAATCAATT-3'
Protein context (NP_001254479.2, residues 2264-2284): GAVVEFVKEL[Gln2274Glu]DIEVPESYSG

ClinVar aggregate classification (germline): Conflicting classifications of pathogenicity. Review status: criteria provided, conflicting classifications (1 of 4 stars). 9 submissions from 9 submitters: Uncertain significance (7); Likely benign (2). Last evaluated 2026-07-20.

Conditions:
Cardiovascular phenotype. Identifiers: MedGen CN230736.
TTN-related disorder. Also called: TTN-related condition; TTN-related disease; TTN-related disorders.
Autosomal recessive limb-girdle muscular dystrophy type 2J (LGMDR10). Also called: MUSCULAR DYSTROPHY, LIMB-GIRDLE, AUTOSOMAL RECESSIVE 10; Limb-girdle muscular dystrophy, type 2J. Identifiers: Orphanet 140922, MedGen C1837342, MONDO:0012127, OMIM 608807.
Dilated cardiomyopathy 1G (CMD1G). Identifiers: Orphanet 154, MedGen C1858763, MONDO:0011400, OMIM 604145.
Cardiomyopathy (CMYO). Also called: Cardiomyopathies. Identifiers: Orphanet 167848, MedGen C0878544, MONDO:0004994, HP:0001638. Inheritance: Various modes of inheritance.

Allele frequency attached by ClinVar (database versions not stated): gnomAD exomes below 0.00001; ExAC 0.00001; gnomAD 0.00003; TOPMed 0.00003.
gnomAD v4.1: 25 of 1,613,080 alleles (0.0015%); highest among the groups gnomAD compares: East Asian, 0.0045%; no homozygotes.

Submissions (9):

PreventionGenetics, part of Exact Sciences
Classification: Uncertain significance for TTN-related condition. Last evaluated: 2026-07-20. Review status: criteria provided, single submitter. Criteria: ACMG Guidelines, 2015. Collection method: clinical testing. Allele origin: germline.
Comment: The TTN c.6820C>G variant is predicted to result in the amino acid substitution p.Gln2274Glu. To our knowledge, this variant has not been reported in the literature. This variant is reported in 0.015% of alleles in individuals of East Asian descent in gnomAD. At this time, the clinical significance of this variant is uncertain due to the absence of conclusive functional and genetic evidence.

GeneDx
Classification: Uncertain significance. Last evaluated: 2024-08-07. Review status: criteria provided, single submitter. Criteria: GeneDx Variant Classification Process June 2021. Collection method: clinical testing. Allele origin: germline. Affected: yes.
Comment: Not observed at significant frequency in large population cohorts (gnomAD); Missense variant in a gene in which most reported pathogenic variants are truncating/loss of function; Has not been previously published as pathogenic or benign to our knowledge

Revvity Omics, Revvity
Classification: Uncertain significance. Last evaluated: 2023-06-30. Review status: criteria provided, single submitter. Criteria: ACMG Guidelines, 2015. Collection method: clinical testing. Allele origin: germline.

Blueprint Genetics
Classification: Likely benign. Last evaluated: 2022-07-13. Review status: criteria provided, single submitter. Criteria: ACMG Guidelines, 2015. Collection method: clinical testing. Allele origin: germline.

Mayo Clinic Laboratories, Mayo Clinic
Classification: Uncertain significance. Last evaluated: 2022-03-28. Review status: criteria provided, single submitter. Criteria: ACMG Guidelines, 2015. Collection method: clinical testing. Allele origin: germline. Observed: 1 variant allele.
Comment: BP4

Ambry Genetics
Classification: Likely benign for Cardiovascular phenotype. Last evaluated: 2019-10-16. Review status: criteria provided, single submitter. Criteria: Ambry Variant Classification Scheme 2023. Collection method: clinical testing. Allele origin: germline.

Eurofins Ntd Llc (ga)
Classification: Uncertain significance. Last evaluated: 2016-10-17. Review status: criteria provided, single submitter. Criteria: EGL Classification Definitions 2015. Collection method: clinical testing. Allele origin: germline. Observed: 1 variant allele, 1 heterozygote.

CHEO Genetics Diagnostic Laboratory, Children's Hospital of Eastern Ontario
Classification: Uncertain significance for Cardiomyopathy. Last evaluated: 2016-09-30. Review status: criteria provided, single submitter. Criteria: ACMG Guidelines, 2015. Collection method: clinical testing. Allele origin: germline. Study: Canadian Open Genetics Repository.

Labcorp Genetics (formerly Invitae), Labcorp
Classification: Uncertain significance for Dilated cardiomyopathy 1G; Autosomal recessive limb-girdle muscular dystrophy type 2J. Last evaluated: 2016-08-31. Review status: criteria provided, single submitter. Criteria: Invitae Variant Classification Sherloc (09022015). Collection method: clinical testing. Allele origin: germline.